The following is an entry in ClinVar:

ClinVar aggregate classification (germline): Benign. Review status: criteria provided, single submitter (1 of 4 stars). 2 submissions from 2 submitters: Benign (1). 1 of the submissions does not count toward it. Last evaluated 2025-12-01.

Conditions:
FBXO11-related disorder. Also called: FBXO11-related condition.

Allele frequency attached by ClinVar (database versions not stated): gnomAD 0.00001 and 0.00007; gnomAD exomes 0.00004 and 0.00008; TOPMed 0.00005; ExAC 0.00009; ESP Exome Variant Server 0.00015; 1000 Genomes Project 0.00040; 1000 Genomes Project 30x 0.00062.
gnomAD v4.1: 81 of 1,614,058 alleles (0.005%); highest among the groups gnomAD compares: South Asian, 0.038%; no homozygotes.

Submissions (4):

Labcorp Genetics (formerly Invitae), Labcorp
Classification: Benign. Last evaluated: 2025-12-01. Review status: criteria provided, single submitter. Criteria: Invitae Variant Classification Sherloc (09022015). Collection method: clinical testing. Allele origin: germline.

PreventionGenetics, part of Exact Sciences
Classification: Likely benign for FBXO11-related condition. Last evaluated: 2022-12-13. Review status: no assertion criteria provided. Collection method: clinical testing. Allele origin: germline. Not counted in ClinVar's aggregate classification.
Comment: This variant is classified as likely benign based on ACMG/AMP sequence variant interpretation guidelines (Richards et al. 2015 PMID: 25741868, with internal and published modifications).

Dr. Peter K. Rogan Lab, Western University
No classification provided (evidence only). Condition: Cervical cancer. Review status: no classification provided. Collection method: in vitro. Allele origin: not applicable. Functional consequence: retained intron. Not counted in ClinVar's aggregate classification.

Dr. Peter K. Rogan Lab, Western University
No classification provided (evidence only). Condition: Hepatocellular carcinoma. Review status: no classification provided. Collection method: in vitro. Allele origin: not applicable. Functional consequence: retained intron. Not counted in ClinVar's aggregate classification.

NM_001190274.2(FBXO11):c.335C>T (p.Ala112Val)

Gene: FBXO11 (F-box protein 11; minus strand). Cytogenetic location: 2p16.3.
Variant type: single nucleotide variant.
Coding change: c.335C>T on transcript NM_001190274.2 (MANE Select); coding-DNA position 335, C replaced by T.
Protein change: p.Ala112Val; replaces alanine 112 with valine.
Molecular consequence: missense variant.
Genome position (GRCh38, 1-based): chr2:47,839,667, G>A on the plus strand (C>T on the coding strand, the complement: FBXO11 is on the minus strand). VCF-style: chr2-47839667-G-A. GRCh37 (hg19) VCF-style: chr2-48066806-G-A.
Other names: c.83C>T, p.Ala28Val (NM_001374325.1, NM_025133.4); c.335C>T (NM_001190274.1); short protein forms A28V, A112V.
Identifiers: ClinVar variation 1412316 (VCV001412316.11), dbSNP rs142562364, ClinGen allele CA1650193.
Genomic context (GRCh38, chr2:47,839,667, plus strand): 5'-ATTACAAAAAGAAAAGCAACTACAGTTAAAGTTACCTCCATACTGTTCTTTGTGGGACAC[G>A]CTGTTCTTTTCGGCAAAAGAGTTTTTCTACGAAGTTGGTATGGACTATTTTGTGCACCAG-3'
Protein context (NP_001177203.1, residues 102-122): RRKTLLPKRT[Ala112Val]CPTKNSMEGA